The following is an entry in ClinVar:

ClinVar aggregate classification (germline): Likely pathogenic (1 of 4 stars; one submission).

Conditions:
Early-infantile DEE. Also called: Early infantile epileptic encephalopathy; Ohtahara syndrome; Early infantile epileptic encephalopathy with suppression bursts. Identifiers: Orphanet 1934, MedGen C0393706, MONDO:0800491.

Submission:

Labcorp Genetics (formerly Invitae), Labcorp
Classification: Likely pathogenic for Early-infantile DEE. Last evaluated: 2024-12-17. Review status: criteria provided, single submitter. Criteria: Invitae Variant Classification Sherloc (09022015). Collection method: clinical testing. Allele origin: germline.
Comment: This sequence change replaces threonine, which is neutral and polar, with alanine, which is neutral and non-polar, at codon 1658 of the SCN1A protein (p.Thr1658Ala). This variant is not present in population databases (gnomAD no frequency). This variant has not been reported in the literature in individuals affected with SCN1A-related conditions. Invitae Evidence Modeling of protein sequence and biophysical properties (such as structural, functional, and spatial information, amino acid conservation, physicochemical variation, residue mobility, and thermodynamic stability) indicates that this missense variant is expected to disrupt SCN1A protein function with a positive predictive value of 95%. This variant disrupts the p.Thr1658 amino acid residue in SCN1A. Other variant(s) that disrupt this residue have been determined to be pathogenic (PMID: 17561957, 18930999, 20522430). This suggests that this residue is clinically significant, and that variants that disrupt this residue are likely to be disease-causing. In summary, the currently available evidence indicates that the variant is pathogenic, but additional data are needed to prove that conclusively. Therefore, this variant has been classified as Likely Pathogenic.

Literature cited by the submitters: PubMed 17561957; PubMed 18930999; PubMed 20522430.

NM_001165963.4(SCN1A):c.4972A>G (p.Thr1658Ala)

Genes: SCN1A (sodium voltage-gated channel alpha subunit 1; minus strand), LOC102724058 (uncharacterized LOC102724058; plus strand). Cytogenetic location: 2q24.3.
Variant type: single nucleotide variant.
Coding change: c.4972A>G on transcript NM_001165963.4 (MANE Select); coding-DNA position 4972, A replaced by G.
Protein change: p.Thr1658Ala; replaces threonine 1658 with alanine.
Molecular consequence: missense variant. On other transcripts: non-coding transcript variant (1).
Genome position (GRCh38, 1-based): chr2:165,992,303, T>C on the plus strand (A>G on the coding strand, the complement: SCN1A is on the minus strand). VCF-style: chr2-165992303-T-C. GRCh37 (hg19) VCF-style: chr2-166848813-T-C.
Other names: c.4888A>G, p.Thr1630Ala (NM_001165964.3, NM_001353957.2, NM_001353958.2); c.4972A>G, p.Thr1658Ala (NM_001202435.3, NM_001353948.2); c.4939A>G, p.Thr1647Ala (NM_001353949.2, NM_001353950.2, NM_001353951.2 and 2 more transcripts); c.4936A>G, p.Thr1646Ala (NM_001353954.2, NM_001353955.2); c.4885A>G, p.Thr1629Ala (NM_001353960.2); c.2530A>G, p.Thr844Ala (NM_001353961.2); short protein forms T1630A, T1646A, T1658A, T1629A, T1647A, T844A.
Identifiers: ClinVar variation 3634005 (VCV003634005.2).